The following is an entry in ClinVar:

ClinVar aggregate classification (germline): Uncertain significance. Review status: criteria provided, multiple submitters, no conflicts (2 of 4 stars). 3 submissions from 3 submitters: Uncertain significance (3). Last evaluated 2025-11-12.

Conditions:
Inborn genetic diseases. Identifiers: MedGen C0950123, MeSH D030342.

Allele frequency attached by ClinVar (database versions not stated): ESP Exome Variant Server 0.00009; 1000 Genomes Project 30x 0.00031; 1000 Genomes Project 0.00040.
gnomAD v4.1: 41 of 1,602,622 alleles (0.0026%); highest among the groups gnomAD compares: Middle Eastern, 0.067%; no homozygotes.

Submissions (3):

Ambry Genetics
Classification: Uncertain significance for Inborn genetic diseases. Last evaluated: 2025-11-12. Review status: criteria provided, single submitter. Criteria: Ambry Variant Classification Scheme 2023. Collection method: clinical testing. Allele origin: germline.

Labcorp Genetics (formerly Invitae), Labcorp
Classification: Uncertain significance. Last evaluated: 2024-10-16. Review status: criteria provided, single submitter. Criteria: Invitae Variant Classification Sherloc (09022015). Collection method: clinical testing. Allele origin: germline.
Comment: This sequence change replaces glutamic acid, which is acidic and polar, with glutamine, which is neutral and polar, at codon 407 of the MYSM1 protein (p.Glu407Gln). This variant is present in population databases (rs183151957, gnomAD 0.01%). This variant has not been reported in the literature in individuals affected with MYSM1-related conditions. ClinVar contains an entry for this variant (Variation ID: 1505948). Invitae Evidence Modeling of protein sequence and biophysical properties (such as structural, functional, and spatial information, amino acid conservation, physicochemical variation, residue mobility, and thermodynamic stability) has been performed for this missense variant. However, the output from this modeling did not meet the statistical confidence thresholds required to predict the impact of this variant on MYSM1 protein function. In summary, the available evidence is currently insufficient to determine the role of this variant in disease. Therefore, it has been classified as a Variant of Uncertain Significance.

Blueprint Genetics
Classification: Uncertain significance. Last evaluated: 2024-08-12. Review status: criteria provided, single submitter. Criteria: ACMG Guidelines, 2015. Collection method: clinical testing. Allele origin: germline.

NM_001085487.3(MYSM1):c.1219G>C (p.Glu407Gln)

Gene: MYSM1 (Myb like, SWIRM and MPN domains 1; minus strand). Cytogenetic location: 1p32.1.
Variant type: single nucleotide variant.
Coding change: c.1219G>C on transcript NM_001085487.3 (MANE Select); coding-DNA position 1219, G replaced by C.
Protein change: p.Glu407Gln; replaces glutamic acid 407 with glutamine.
Molecular consequence: missense variant.
Genome position (GRCh38, 1-based): chr1:58,681,825, C>G on the plus strand (G>C on the coding strand, the complement: MYSM1 is on the minus strand). VCF-style: chr1-58681825-C-G. GRCh37 (hg19) VCF-style: chr1-59147497-C-G.
Other names: c.1219G>C (NM_001085487.2); short protein forms E407Q.
Identifiers: ClinVar variation 1505948 (VCV001505948.9), dbSNP rs183151957, ClinGen allele CA877889.
Genomic context (GRCh38, chr1:58,681,825, plus strand): 5'-ATAATGTAATTCTTTCTTACCATTGATCCAAAATATAATTTCTAATTTTCAAATAGCGTT[C>G]TGGTGTTTTAGCTTGGCGCCCCTCAAAAAACTCAGGAATTGCTTGTTTTTCTTCTTCTTG-3'
Protein context (NP_001078956.1, residues 397-417): FFEGRQAKTP[Glu407Gln]RYLKIRNYIL